The following is an entry in ClinVar:

ClinVar aggregate classification (germline): Benign (1 of 4 stars; one submission).

Conditions:
Dilated cardiomyopathy 3B (CMD3B). Also called: CMD3B: DMD-Related Dilated Cardiomyopathy; CARDIOMYOPATHY, DILATED, X-LINKED; DMD-Associated Dilated Cardiomyopathy. Identifiers: Orphanet 154, MedGen C3668940, MONDO:0010542, OMIM 302045.

Allele frequency attached by ClinVar (database versions not stated): TOPMed 0.00723; 1000 Genomes Project 30x 0.00874; 1000 Genomes Project 0.00901.

Submission:

Illumina Laboratory Services, Illumina
Classification: Benign for Dilated cardiomyopathy 3B. Last evaluated: 2018-01-12. Review status: criteria provided, single submitter. Criteria: ICSL Variant Classification Criteria 13 December 2019. Collection method: clinical testing. Allele origin: germline.
Comment: This variant was observed in the ICSL laboratory as part of a predisposition screen in an ostensibly healthy population. It had not been previously curated by ICSL or reported in the Human Gene Mutation Database (HGMD: prior to June 1st, 2018), and was therefore a candidate for classification through an automated scoring system. Utilizing variant allele frequency, disease prevalence and penetrance estimates, and inheritance mode, an automated score was calculated to assess if this variant is too frequent to cause the disease. Based on the score and internal cut-off values, a variant classified as benign is not then subjected to further curation. The score for this variant resulted in a classification of benign for this disease.

NM_004006.3(DMD):c.*809C>T

Gene: DMD (dystrophin; minus strand). Cytogenetic location: Xp21.2.
Variant type: single nucleotide variant.
Coding change: c.*809C>T on transcript NM_004006.3 (MANE Select); 809 bases downstream of the stop codon, C replaced by T.
Molecular consequence: 3 prime UTR variant.
Genome position (GRCh38, 1-based): chrX:31,121,110, G>A on the plus strand (C>T on the coding strand, the complement: DMD is on the minus strand). VCF-style: chrX-31121110-G-A. GRCh37 (hg19) VCF-style: chrX-31139227-G-A.
Other names: c.*809C>T (NM_000109.4, NM_004009.3, NM_004010.3 and 7 more transcripts); c.*723C>T (NM_004016.3, NM_004018.3, NM_004021.3 and 2 more transcripts).
Identifiers: ClinVar variation 913900 (VCV000913900.4), dbSNP rs138956803, ClinGen allele CA328400661.